The following is an entry in ClinVar:

NM_002485.5(NBN):c.329A>C (p.Tyr110Ser)

Gene: NBN (nibrin; minus strand). Cytogenetic location: 8q21.3.
Variant type: single nucleotide variant.
Coding change: c.329A>C on transcript NM_002485.5 (MANE Select); coding-DNA position 329, A replaced by C.
Protein change: p.Tyr110Ser; replaces tyrosine 110 with serine.
Molecular consequence: missense variant.
Genome position (GRCh38, 1-based): chr8:89,980,885, T>G on the plus strand (A>C on the coding strand, the complement: NBN is on the minus strand). VCF-style: chr8-89980885-T-G. GRCh37 (hg19) VCF-style: chr8-90993113-T-G.
Other names: c.83A>C, p.Tyr28Ser (NM_001024688.3, NM_001440379.1, NM_001440380.1); short protein forms Y110S, Y28S.
Identifiers: ClinVar variation 5025370 (VCV005025370.1).

ClinVar aggregate classification (germline): Uncertain significance (1 of 4 stars; one submission).

Conditions:
Hereditary cancer-predisposing syndrome. Also called: Neoplastic Syndromes, Hereditary; Tumor predisposition; Hereditary neoplastic syndrome; Hereditary Cancer Syndrome. Identifiers: Orphanet 140162, MedGen C0027672, MeSH D009386, MONDO:0015356.

Submission:

Ambry Genetics
Classification: Uncertain significance for Hereditary cancer-predisposing syndrome. Last evaluated: 2026-07-02. Review status: criteria provided, single submitter. Criteria: Ambry Variant Classification Scheme 2023. Collection method: clinical testing. Allele origin: germline.
Comment: The p.Y110S variant (also known as c.329A>C), located in coding exon 4 of the NBN gene, results from an A to C substitution at nucleotide position 329. The tyrosine at codon 110 is replaced by serine, an amino acid with dissimilar properties. This amino acid position is conserved. In addition, this alteration is predicted to be deleterious by in silico analysis. Based on the available evidence, the clinical significance of this variant remains unclear.